The following is an entry in ClinVar:

ClinVar aggregate classification (germline): Likely pathogenic (1 of 4 stars; one submission).

Conditions:
alpha Thalassemia. Also called: Alpha thalassemia spectrum. Identifiers: Orphanet 846, MedGen C0002312, MONDO:0011399, OMIM 604131.

Submission:

Natera, Inc.
Classification: Likely pathogenic for Alpha thalassemia. Last evaluated: 2025-09-30. Review status: criteria provided, single submitter. Criteria: Natera Variant Classification Schema (03/2026). Collection method: clinical testing. Allele origin: germline.
Comment: The c.109_112del variant in HBA1 is a frameshift variant predicted to shift the reading frame beginning at codon 37 and leads to a stop codon 12 codons downstream. This variant is expected to result in nonsense mediated decay, truncation, or a dysfunctional protein product. This variant is rare in the general population with a frequency below the threshold expected for the associated phenotype(s). Given the available evidence, this variant is classified as Likely Pathogenic.

NM_000558.5(HBA1):c.109_112del (p.Phe37fs)

Genes: HBA1 (hemoglobin subunit alpha 1; plus strand), LOC106804613 (hemoglobin subunit alpha 1 recombination region; plus strand). Cytogenetic location: 16p13.3.
Variant type: Deletion.
Coding change: c.109_112del on transcript NM_000558.5 (MANE Select); coding-DNA positions 109 to 112, 4 bases deleted (TTCC; older notation c.109_112delTTCC).
Protein change: p.Phe37fs; shifts the reading frame from phenylalanine 37.
Molecular consequence: frameshift variant.
Genome position (GRCh38, 1-based): chr16:176,942-176,945, TTCC deleted; deleting any 4 consecutive bases within chr16:176,939-176,945 gives the same sequence; the c. name uses the placement nearest the transcript's 3' end. VCF-style (leftmost placement, unchanged base first): chr16-176938-GTCCT-G. GRCh37 (hg19) VCF-style: chr16-226937-GTCCT-G.
Other names: short protein forms F37fs.
Identifiers: ClinVar variation 4814360 (VCV004814360.1).